The following is an entry in ClinVar:

ClinVar aggregate classification (germline): Uncertain significance (1 of 4 stars; one submission).

Submission:

Labcorp Genetics (formerly Invitae), Labcorp
Classification: Uncertain significance. Last evaluated: 2023-05-22. Review status: criteria provided, single submitter. Criteria: Invitae Variant Classification Sherloc (09022015). Collection method: clinical testing. Allele origin: germline.
Comment: This sequence change replaces serine, which is neutral and polar, with threonine, which is neutral and polar, at codon 284 of the MSH3 protein (p.Ser284Thr). This variant is not present in population databases (gnomAD no frequency). This variant has not been reported in the literature in individuals affected with MSH3-related conditions. An algorithm developed to predict the effect of missense changes on protein structure and function (PolyPhen-2) suggests that this variant is likely to be disruptive. In summary, the available evidence is currently insufficient to determine the role of this variant in disease. Therefore, it has been classified as a Variant of Uncertain Significance.

NM_002439.5(MSH3):c.851G>C (p.Ser284Thr)

Gene: MSH3 (mutS homolog 3; plus strand). Cytogenetic location: 5q14.1.
Variant type: single nucleotide variant.
Coding change: c.851G>C on transcript NM_002439.5 (MANE Select); coding-DNA position 851, G replaced by C.
Protein change: p.Ser284Thr; replaces serine 284 with threonine.
Molecular consequence: missense variant.
Genome position (GRCh38, 1-based): chr5:80,672,302, G>C. VCF-style: chr5-80672302-G-C. GRCh37 (hg19) VCF-style: chr5-79968121-G-C.
Other names: short protein forms S284T.
Identifiers: ClinVar variation 2866767 (VCV002866767.3), dbSNP rs2112813800, ClinGen allele CA360267180.